The following is an entry in ClinVar:

ClinVar aggregate classification (germline): Conflicting classifications of pathogenicity. Review status: criteria provided, conflicting classifications (1 of 4 stars). 6 submissions from 6 submitters: Uncertain significance (5); Likely benign (1). Last evaluated 2026-09-18.

Conditions:
Ehlers-Danlos syndrome, type 4 (EDSVASC). Also called: Ehlers-Danlos Syndrome Type IV; Ehlers-Danlos syndrome vascular type; Ehlers Danlos syndrome, ecchymotic type; Ehlers Danlos syndrome, arterial type; Ehlers Danlos syndrome, Sack-Barabas type. Identifiers: Orphanet 286, MedGen C0268338, MONDO:0017314, OMIM 130050.
Familial thoracic aortic aneurysm and aortic dissection (TAAD). Also called: Thoracic aortic aneurysms and dissections. Identifiers: Orphanet 91387, MedGen C4707243, MONDO:0019625.
COL3A1-related disorder. Also called: COL3A1-related condition.

Allele frequency attached by ClinVar (database versions not stated): gnomAD exomes 0.00001 and 0.00003; ExAC 0.00003; gnomAD 0.00006 and 0.00007; TOPMed 0.00022.
gnomAD v4.1: 17 of 1,609,210 alleles (0.0011%); highest among the groups gnomAD compares: Admixed American, 0.01%; no homozygotes.

Submissions (6):

GeneDx
Classification: Uncertain significance. Last evaluated: 2026-09-18. Review status: criteria provided, single submitter. Criteria: GeneDx Variant Classification Process June 2021. Collection method: clinical testing. Allele origin: germline.
Comment: Has not been previously published as pathogenic or benign to our knowledge; Not located in the triple helical region, where the majority of pathogenic missense variants occur (HGMD); In silico analysis suggests that this missense variant does not alter protein structure/function

Ambry Genetics
Classification: Likely benign for Familial thoracic aortic aneurysm and aortic dissection. Last evaluated: 2026-03-11. Review status: criteria provided, single submitter. Criteria: Ambry Variant Classification Scheme 2023. Collection method: clinical testing. Allele origin: germline.

PreventionGenetics, part of Exact Sciences
Classification: Uncertain significance for COL3A1-related condition. Last evaluated: 2025-09-16. Review status: criteria provided, single submitter. Criteria: ACMG Guidelines, 2015. Collection method: clinical testing. Allele origin: germline.
Comment: The COL3A1 c.347T>G variant is predicted to result in the amino acid substitution p.Ile116Ser. To our knowledge, this variant has not been reported in the literature. This variant is reported in 0.025% of alleles in individuals of African descent in gnomAD. At this time, the clinical significance of this variant is uncertain due to the absence of conclusive functional and genetic evidence.

Labcorp Genetics (formerly Invitae), Labcorp
Classification: Uncertain significance for Ehlers-Danlos syndrome, type 4. Last evaluated: 2024-11-27. Review status: criteria provided, single submitter. Criteria: Invitae Variant Classification Sherloc (09022015). Collection method: clinical testing. Allele origin: germline.
Comment: This sequence change replaces isoleucine, which is neutral and non-polar, with serine, which is neutral and polar, at codon 116 of the COL3A1 protein (p.Ile116Ser). This variant is present in population databases (rs769622439, gnomAD 0.02%). This variant has not been reported in the literature in individuals affected with COL3A1-related conditions. ClinVar contains an entry for this variant (Variation ID: 854169). Invitae Evidence Modeling of protein sequence and biophysical properties (such as structural, functional, and spatial information, amino acid conservation, physicochemical variation, residue mobility, and thermodynamic stability) indicates that this missense variant is not expected to disrupt COL3A1 protein function with a negative predictive value of 95%. In summary, the available evidence is currently insufficient to determine the role of this variant in disease. Therefore, it has been classified as a Variant of Uncertain Significance.

All of Us Research Program, National Institutes of Health
Classification: Uncertain significance for Ehlers-Danlos syndrome, type 4. Last evaluated: 2024-07-29. Review status: criteria provided, single submitter. Criteria: ACMG Guidelines, 2015. Collection method: clinical testing. Allele origin: germline. Inheritance: Autosomal dominant inheritance. Observed: 9 variant alleles, 9 heterozygotes.
Comment: Variant of Uncertain Significance due to insufficient evidence: This missense variant replaces isoleucine with serine at codon 116 of the COL3A1 protein. Computational prediction tools and conservation analyses are inconclusive regarding the impact of this variant on the protein function. Computational splicing tools suggest that this variant may not impact RNA splicing. To our knowledge, functional assays have not been performed for this variant nor has this variant been reported in individuals affected with cardiovascular disorders in the literature. This variant has been identified in 5/244258 chromosomes in the general population by the Genome Aggregation Database (gnomAD). Available evidence is insufficient to determine the role of this variant in disease conclusively.

This study involves interpretation of variants in research participants for the purpose of population health screening. Participant phenotype was not available at the time of variant classification. Additional details can be found in publication PMID: 35346344, PMCID: PMC8962531

Color Diagnostics, LLC DBA Color Health
Classification: Uncertain significance for Familial thoracic aortic aneurysm and aortic dissection. Last evaluated: 2023-12-05. Review status: criteria provided, single submitter. Criteria: ACMG Guidelines, 2015. Collection method: clinical testing. Allele origin: germline.
Comment: This missense variant replaces isoleucine with serine at codon 116 of the COL3A1 protein. Computational prediction suggests that this variant may not impact protein structure and function. To our knowledge, functional studies have not been reported for this variant. This variant has not been reported in individuals affected with COL3A1-related disorders in the literature. This variant has been identified in 7/249320 chromosomes in the general population by the Genome Aggregation Database (gnomAD). The available evidence is insufficient to determine the role of this variant in disease conclusively. Therefore, this variant is classified as a Variant of Uncertain Significance.

NM_000090.4(COL3A1):c.347T>G (p.Ile116Ser)

Gene: COL3A1 (collagen type III alpha 1 chain; plus strand). Cytogenetic location: 2q32.2.
Variant type: single nucleotide variant.
Coding change: c.347T>G on transcript NM_000090.4 (MANE Select); coding-DNA position 347, T replaced by G.
Protein change: p.Ile116Ser; replaces isoleucine 116 with serine.
Molecular consequence: missense variant.
Genome position (GRCh38, 1-based): chr2:188,985,678, T>G. VCF-style: chr2-188985678-T-G. GRCh37 (hg19) VCF-style: chr2-189850404-T-G.
Other names: short protein forms I116S.
Identifiers: ClinVar variation 854169 (VCV000854169.21), dbSNP rs769622439, ClinGen allele CA076137.